The following is an entry in ClinVar:

NM_032608.7(MYO18B):c.4207C>A (p.Gln1403Lys)

Gene: MYO18B (myosin XVIIIB; plus strand). Cytogenetic location: 22q12.1.
Variant type: single nucleotide variant.
Coding change: c.4207C>A on transcript NM_032608.7 (MANE Select); coding-DNA position 4207, C replaced by A.
Protein change: p.Gln1403Lys; replaces glutamine 1403 with lysine.
Molecular consequence: missense variant.
Genome position (GRCh38, 1-based): chr22:25,876,315, C>A. VCF-style: chr22-25876315-C-A. GRCh37 (hg19) VCF-style: chr22-26272282-C-A.
Other names: c.4210C>A, p.Gln1404Lys (NM_001318245.2); c.4207C>A (NM_032608.5); short protein forms Q1403K, Q1404K.
Identifiers: ClinVar variation 1401995 (VCV001401995.5), dbSNP rs372954981, ClinGen allele CA10160788.

ClinVar aggregate classification (germline): Uncertain significance. Review status: criteria provided, multiple submitters, no conflicts (2 of 4 stars). 2 submissions from 2 submitters: Uncertain significance (2). Last evaluated 2024-08-04.

Conditions:
Inborn genetic diseases. Identifiers: MedGen C0950123, MeSH D030342.

Allele frequency attached by ClinVar (database versions not stated): gnomAD exomes 0.00001 and 0.00003; ExAC 0.00003; ESP Exome Variant Server 0.00008; gnomAD 0.00008 and 0.00009; TOPMed 0.00008.
gnomAD v4.1: 27 of 1,611,766 alleles (0.0017%); highest among the groups gnomAD compares: African/African-American, 0.028%; no homozygotes.

Submissions (2):

Ambry Genetics
Classification: Uncertain significance for Inborn genetic diseases. Last evaluated: 2024-08-04. Review status: criteria provided, single submitter. Criteria: Ambry Variant Classification Scheme 2023. Collection method: clinical testing. Allele origin: germline.

Labcorp Genetics (formerly Invitae), Labcorp
Classification: Uncertain significance. Last evaluated: 2022-08-12. Review status: criteria provided, single submitter. Criteria: Invitae Variant Classification Sherloc (09022015). Collection method: clinical testing. Allele origin: germline.
Comment: This sequence change replaces glutamine, which is neutral and polar, with lysine, which is basic and polar, at codon 1403 of the MYO18B protein (p.Gln1403Lys). This variant is present in population databases (rs372954981, gnomAD 0.04%). This variant has not been reported in the literature in individuals affected with MYO18B-related conditions. ClinVar contains an entry for this variant (Variation ID: 1401995). Algorithms developed to predict the effect of missense changes on protein structure and function are either unavailable or do not agree on the potential impact of this missense change (SIFT: "Not Available"; PolyPhen-2: "Possibly Damaging"; Align-GVGD: "Not Available"). In summary, the available evidence is currently insufficient to determine the role of this variant in disease. Therefore, it has been classified as a Variant of Uncertain Significance.